The following is an entry in ClinVar:

ClinVar aggregate classification (germline): Uncertain significance (1 of 4 stars; one submission).

Allele frequency attached by ClinVar (database versions not stated): TOPMed 0.00005; ExAC 0.00001; gnomAD 0.00003.
gnomAD v4.1: 20 of 1,613,662 alleles (0.0012%); highest among the groups gnomAD compares: African/African-American, 0.012%; no homozygotes.

Submission:

Labcorp Genetics (formerly Invitae), Labcorp
Classification: Uncertain significance. Last evaluated: 2026-01-02. Review status: criteria provided, single submitter. Criteria: Invitae Variant Classification Sherloc (09022015). Collection method: clinical testing. Allele origin: germline.
Comment: This sequence change replaces threonine, which is neutral and polar, with methionine, which is neutral and non-polar, at codon 273 of the DNAH9 protein (p.Thr273Met). This variant is present in population databases (rs760171024, gnomAD 0.006%). This variant has not been reported in the literature in individuals affected with DNAH9-related conditions. ClinVar contains an entry for this variant (Variation ID: 2178184). An algorithm developed to predict the effect of missense changes on protein structure and function (PolyPhen-2) suggests that this variant is likely to be tolerated. In summary, the available evidence is currently insufficient to determine the role of this variant in disease. Therefore, it has been classified as a Variant of Uncertain Significance.

NM_001372.4(DNAH9):c.818C>T (p.Thr273Met)

Gene: DNAH9 (dynein axonemal heavy chain 9; plus strand). Cytogenetic location: 17p12.
Variant type: single nucleotide variant.
Coding change: c.818C>T on transcript NM_001372.4 (MANE Select); coding-DNA position 818, C replaced by T.
Protein change: p.Thr273Met; replaces threonine 273 with methionine.
Molecular consequence: missense variant.
Genome position (GRCh38, 1-based): chr17:11,611,694, C>T. VCF-style: chr17-11611694-C-T. GRCh37 (hg19) VCF-style: chr17-11515011-C-T.
Other names: short protein forms T273M.
Identifiers: ClinVar variation 2178184 (VCV002178184.3), dbSNP rs760171024, ClinGen allele CA8394657.
Genomic context (GRCh38, chr17:11,611,694, plus strand): 5'-CTTCATGATATTGCAGGTATGAAGATCTGAAATACATCTATAATCAACTGAGAACAATAA[C>T]GGTGAGGGGCATGGCCAAGCTCCTGGACAAGCTTCAGAGTAGCTACTTTCCAGCTTTCAA-3'
Protein context (NP_001363.2, residues 263-283): KYIYNQLRTI[Thr273Met]VRGMAKLLDK